The following is an entry in ClinVar:

NM_001110556.2(FLNA):c.5116G>A (p.Gly1706Ser)

Gene: FLNA (filamin A; minus strand). Cytogenetic location: Xq28.
Variant type: single nucleotide variant.
Coding change: c.5116G>A on transcript NM_001110556.2 (MANE Select); coding-DNA position 5116, G replaced by A.
Protein change: p.Gly1706Ser; replaces glycine 1706 with serine.
Molecular consequence: missense variant.
Genome position (GRCh38, 1-based): chrX:154,354,926, C>T on the plus strand (G>A on the coding strand, the complement: FLNA is on the minus strand). VCF-style: chrX-154354926-C-T. GRCh37 (hg19) VCF-style: chrX-153583294-C-T.
Other names: c.5092G>A, p.Gly1698Ser (NM_001456.4); c.5116G>A (NM_001110556.1); short protein forms G1706S, G1698S.
Identifiers: ClinVar variation 591017 (VCV000591017.20), dbSNP rs781993685, ClinGen allele CA10560387.

ClinVar aggregate classification (germline): Benign/Likely benign. Review status: criteria provided, multiple submitters, no conflicts (2 of 4 stars). 9 submissions from 9 submitters: Benign (2); Likely benign (3). 4 of the submissions do not count toward it. Last evaluated 2025-10-26.

Conditions:
FLNA-related disorder.
Melnick-Needles syndrome (MNS). Also called: Melnick-Needles Syndrome (FLNA-MNS); MELNICK-NEEDLES OSTEODYSPLASTY; OSTEODYSPLASTY OF MELNICK AND NEEDLES. Identifiers: Orphanet 2484, MedGen C0025237, MONDO:0010650, OMIM 309350.
Frontometaphyseal dysplasia (FMD1). Identifiers: Orphanet 1826, MedGen C0265293, MONDO:0015942.
Heterotopia, periventricular, X-linked dominant (PVNH1). Also called: X-linked periventricular heterotopia; PERIVENTRICULAR NODULAR HETEROTOPIA 4; HETEROTOPIA, PERIVENTRICULAR, 1; PERIVENTRICULAR NODULAR HETEROTOPIA 1. Identifiers: Orphanet 2149, Orphanet 82004, MedGen C1848213, MONDO:0010233, OMIM 300049.
Oto-palato-digital syndrome, type II (OPD2). Also called: Otopalatodigital Syndrome Type 2 (FLNA-OPD2); FACIOPALATOOSSEOUS SYNDROME; Otopalatodigital Syndrome, Type II; OPD II SYNDROME. Identifiers: Orphanet 669, Orphanet 90652, MedGen C1844696, MONDO:0010571, OMIM 304120.
Familial thoracic aortic aneurysm and aortic dissection (TAAD). Also called: Thoracic aortic aneurysms and dissections. Identifiers: Orphanet 91387, MedGen C4707243, MONDO:0019625.

Allele frequency attached by ClinVar (database versions not stated): gnomAD 0.00001 and 0.00002.
gnomAD v4.1: 84 of 1,211,117 alleles (0.0069%); highest among the groups gnomAD compares: Middle Eastern, 0.11%; 1 homozygote.

Submissions (9):

Labcorp Genetics (formerly Invitae), Labcorp
Classification: Benign for Oto-palato-digital syndrome, type II; Heterotopia, periventricular, X-linked dominant; Frontometaphyseal dysplasia; Melnick-Needles syndrome. Last evaluated: 2025-10-26. Review status: criteria provided, single submitter. Criteria: Invitae Variant Classification Sherloc (09022015). Collection method: clinical testing. Allele origin: germline.

Blueprint Genetics
Classification: Likely benign. Last evaluated: 2023-11-14. Review status: criteria provided, single submitter. Criteria: ACMG Guidelines, 2015. Collection method: clinical testing. Allele origin: germline.

GeneDx
Classification: Benign. Last evaluated: 2019-11-20. Review status: criteria provided, single submitter. Criteria: GeneDx Variant Classification Process June 2021. Collection method: clinical testing. Allele origin: germline. Affected: yes.
Comment: In silico analysis, which includes protein predictors and evolutionary conservation, supports a deleterious effect; This variant is associated with the following publications: (PMID: 32019516, 27375131)

Genetic Services Laboratory, University of Chicago
Classification: Likely benign. Last evaluated: 2018-12-26. Review status: criteria provided, single submitter. Criteria: ACMG Guidelines, 2015. Collection method: clinical testing. Allele origin: germline. Affected: no.

Ambry Genetics
Classification: Likely benign for Familial thoracic aortic aneurysm and aortic dissection. Last evaluated: 2018-09-27. Review status: criteria provided, single submitter. Criteria: Ambry Variant Classification Scheme 2023. Collection method: clinical testing. Allele origin: germline.

PreventionGenetics, part of Exact Sciences
Classification: Likely benign for FLNA-related condition. Last evaluated: 2023-06-15. Review status: no assertion criteria provided. Collection method: clinical testing. Allele origin: germline. Not counted in ClinVar's aggregate classification.
Comment: This variant is classified as likely benign based on ACMG/AMP sequence variant interpretation guidelines (Richards et al. 2015 PMID: 25741868, with internal and published modifications).

Gharavi Laboratory, Columbia University
Classification: Uncertain significance. Last evaluated: 2018-09-16. Review status: no assertion criteria provided. Criteria: ACMG Guidelines, 2015. Collection method: research. Allele origin: germline. Affected: yes. Not counted in ClinVar's aggregate classification.

Clinical Genetics DNA and cytogenetics Diagnostics Lab, Erasmus MC, Erasmus Medical Center
Classification: Likely benign. Review status: no assertion criteria provided. Collection method: clinical testing. Allele origin: germline. Affected: yes. Study: VKGL Data-share Consensus. Not counted in ClinVar's aggregate classification.

Genome Diagnostics Laboratory, University Medical Center Utrecht
Classification: Likely benign. Review status: no assertion criteria provided. Collection method: clinical testing. Allele origin: germline. Affected: yes. Study: VKGL Data-share Consensus. Not counted in ClinVar's aggregate classification.